The following is an entry in ClinVar:

ClinVar aggregate classification (germline): Benign/Likely benign. Review status: criteria provided, multiple submitters, no conflicts (2 of 4 stars). 5 submissions from 5 submitters: Benign (3); Likely benign (1). 1 of the submissions does not count toward it. Last evaluated 2025-12-14.

Conditions:
LAMB3-related disorder. Also called: LAMB3-related condition.
Junctional epidermolysis bullosa. Identifiers: Orphanet 305, MedGen C0079301, MONDO:0017612.

Allele frequency attached by ClinVar (database versions not stated): ExAC 0.00016; gnomAD 0.00017 and 0.00018; gnomAD exomes 0.00018; ESP Exome Variant Server 0.00023; TOPMed 0.00025; 1000 Genomes Project 0.00060; 1000 Genomes Project 30x 0.00062.
gnomAD v4.1: 230 of 1,614,240 alleles (0.014%); highest among the groups gnomAD compares: Middle Eastern, 0.12%; no homozygotes.

Submissions (5):

Labcorp Genetics (formerly Invitae), Labcorp
Classification: Benign. Last evaluated: 2025-12-14. Review status: criteria provided, single submitter. Criteria: Invitae Variant Classification Sherloc (09022015). Collection method: clinical testing. Allele origin: germline.

Blueprint Genetics
Classification: Likely benign. Last evaluated: 2024-10-30. Review status: criteria provided, single submitter. Criteria: ACMG Guidelines, 2015. Collection method: clinical testing. Allele origin: germline.

Illumina Laboratory Services, Illumina
Classification: Benign for Junctional epidermolysis bullosa. Last evaluated: 2017-04-27. Review status: criteria provided, single submitter. Criteria: ICSL Variant Classification Criteria 13 December 2019. Collection method: clinical testing. Allele origin: germline.
Comment: This variant was observed as part of a predisposition screen in an ostensibly healthy population. A literature search was performed for the gene, cDNA change, and amino acid change (where applicable). No publications were found based on this search. Allele frequency data from public databases was too high to be consistent with this variant causing disease. Therefore, this variant is classified as benign.

Breakthrough Genomics
Classification: Benign. Review status: criteria provided, single submitter. Criteria: ACMG Guidelines, 2015. Collection method: not provided. Allele origin: germline. Inheritance: Autosomal recessive inheritance. Affected: yes.

PreventionGenetics, part of Exact Sciences
Classification: Likely benign for LAMB3-related condition. Last evaluated: 2024-04-01. Review status: no assertion criteria provided. Collection method: clinical testing. Allele origin: germline. Not counted in ClinVar's aggregate classification.
Comment: This variant is classified as likely benign based on ACMG/AMP sequence variant interpretation guidelines (Richards et al. 2015 PMID: 25741868, with internal and published modifications).

NM_000228.3(LAMB3):c.2403C>T (p.Cys801=)

Gene: LAMB3 (laminin subunit beta 3; minus strand). Cytogenetic location: 1q32.2.
Variant type: single nucleotide variant.
Coding change: c.2403C>T on transcript NM_000228.3 (MANE Select); coding-DNA position 2403, C replaced by T.
Protein change: p.Cys801=; no amino-acid change (cysteine 801 retained).
Molecular consequence: synonymous variant.
Genome position (GRCh38, 1-based): chr1:209,623,135, G>A on the plus strand (C>T on the coding strand, the complement: LAMB3 is on the minus strand). VCF-style: chr1-209623135-G-A. GRCh37 (hg19) VCF-style: chr1-209796480-G-A.
Other names: c.2403C>T, p.Cys801= (NM_001017402.2, NM_001127641.1).
Identifiers: ClinVar variation 763800 (VCV000763800.17), dbSNP rs115279528, ClinGen allele CA1375249.
Genomic context (GRCh38, chr1:209,623,135, plus strand): 5'-GACACCCCTGCAGCGGGAGCCACAGGCTGTGCCATTGTCTTGGGGACATAGCTCACCAGG[G>A]CATGATATTGGGGTGCAAGCCATCTGCCTGGAGTTGCCACAGAGCTGTGGACAGATGGCG-3'
Protein context (NP_000219.2, residues 791-811): SRQMACTPIS[Cys801=]PGELCPQDNG